The following is an entry in ClinVar:

NM_000368.5(TSC1):c.2332C>A (p.Gln778Lys)

Gene: TSC1 (TSC complex subunit 1; minus strand). Cytogenetic location: 9q34.13.
Variant type: single nucleotide variant.
Coding change: c.2332C>A on transcript NM_000368.5 (MANE Select); coding-DNA position 2332, C replaced by A.
Protein change: p.Gln778Lys; replaces glutamine 778 with lysine.
Molecular consequence: missense variant. On other transcripts: non-coding transcript variant (5).
Genome position (GRCh38, 1-based): chr9:132,902,664, G>T on the plus strand (C>A on the coding strand, the complement: TSC1 is on the minus strand). VCF-style: chr9-132902664-G-T. GRCh37 (hg19) VCF-style: chr9-135778051-G-T.
Other names: c.2329C>A, p.Gln777Lys (NM_001162426.2, NM_001406608.1, NM_001406609.1 and 4 more transcripts); c.2179C>A, p.Gln727Lys (NM_001162427.2, NM_001406610.1); c.1969C>A, p.Gln657Lys (NM_001362177.2, NM_001406614.1, NM_001406615.1 and 5 more transcripts); c.2332C>A, p.Gln778Lys (NM_001406592.1, NM_001406593.1, NM_001406607.1 and 5 more transcripts); c.2176C>A, p.Gln726Lys (NM_001406611.1, NM_001406612.1, NM_001406613.1); c.2317C>A, p.Gln773Lys (NM_001406601.1, NM_001406602.1); c.2314C>A, p.Gln772Lys (NM_001406603.1, NM_001406604.1); c.1966C>A, p.Gln656Lys (NM_001406620.1, NM_001406621.1, NM_001406622.1 and 2 more transcripts); and 3 more; short protein forms Q427K, Q461K, Q726K, Q460K, Q727K, Q656K, Q777K, Q778K.
Identifiers: ClinVar variation 2765273 (VCV002765273.3), dbSNP rs118203679, ClinGen allele CA375359463.

ClinVar aggregate classification (germline): Uncertain significance (1 of 4 stars; one submission).

Conditions:
Tuberous sclerosis 1 (TSC1). Identifiers: Orphanet 805, MedGen C1854465, MONDO:0008612, OMIM 191100.

Submission:

Labcorp Genetics (formerly Invitae), Labcorp
Classification: Uncertain significance for Tuberous sclerosis 1. Last evaluated: 2023-10-17. Review status: criteria provided, single submitter. Criteria: Invitae Variant Classification Sherloc (09022015). Collection method: clinical testing. Allele origin: germline.
Comment: This sequence change replaces glutamine, which is neutral and polar, with lysine, which is basic and polar, at codon 778 of the TSC1 protein (p.Gln778Lys). This variant is not present in population databases (gnomAD no frequency). This variant has not been reported in the literature in individuals affected with TSC1-related conditions. Advanced modeling of protein sequence and biophysical properties (such as structural, functional, and spatial information, amino acid conservation, physicochemical variation, residue mobility, and thermodynamic stability) performed at Invitae indicates that this missense variant is not expected to disrupt TSC1 protein function. In summary, the available evidence is currently insufficient to determine the role of this variant in disease. Therefore, it has been classified as a Variant of Uncertain Significance.